The following is an entry in ClinVar:

ClinVar aggregate classification (germline): Uncertain significance (1 of 4 stars; one submission).

Submission:

Labcorp Genetics (formerly Invitae), Labcorp
Classification: Uncertain significance. Last evaluated: 2022-06-20. Review status: criteria provided, single submitter. Criteria: Invitae Variant Classification Sherloc (09022015). Collection method: clinical testing. Allele origin: germline.
Comment: In summary, the available evidence is currently insufficient to determine the role of this variant in disease. Therefore, it has been classified as a Variant of Uncertain Significance. Algorithms developed to predict the effect of missense changes on protein structure and function (SIFT, PolyPhen-2, Align-GVGD) all suggest that this variant is likely to be disruptive. This variant has not been reported in the literature in individuals affected with SUCO-related conditions. This variant is not present in population databases (gnomAD no frequency). This sequence change replaces glutamic acid, which is acidic and polar, with aspartic acid, which is acidic and polar, at codon 273 of the SUCO protein (p.Glu273Asp).

NM_014283.5(SUCO):c.819A>C (p.Glu273Asp)

Gene: SUCO (SUN domain containing ossification factor; plus strand). Cytogenetic location: 1q24.3.
Variant type: single nucleotide variant.
Coding change: c.819A>C on transcript NM_014283.5 (MANE Select); coding-DNA position 819, A replaced by C.
Protein change: p.Glu273Asp; replaces glutamic acid 273 with aspartic acid.
Molecular consequence: missense variant. On other transcripts: 5 prime UTR variant (1).
Genome position (GRCh38, 1-based): chr1:172,569,105, A>C. VCF-style: chr1-172569105-A-C. GRCh37 (hg19) VCF-style: chr1-172538245-A-C.
Other names: c.708A>C, p.Glu236Asp (NM_001282750.2); c.-711A>C (NM_001282751.2); c.1293A>C, p.Glu431Asp (NM_016227.4); short protein forms E273D, E431D, E236D.
Identifiers: ClinVar variation 1486991 (VCV001486991.8), dbSNP rs2149244325, ClinGen allele CA343737289.
Genomic context (GRCh38, chr1:172,569,105, plus strand): 5'-CATTGACCCTACATCAGTAGCAAGTCCCAAAGATCCAGAAGATATACCAACATTTGATGA[A>C]TGGAAGAAGAAAGTTATGGAAGTAGAAAAAGAAAAAAGTAAGGAAGTATTTGAGTTCTTT-3'
Protein context (NP_055098.1, residues 263-283): KDPEDIPTFD[Glu273Asp]WKKKVMEVEK